The following is an entry in ClinVar:

ClinVar aggregate classification (germline): Likely benign. Review status: criteria provided, multiple submitters, no conflicts (2 of 4 stars). 2 submissions from 2 submitters: Likely benign (2). Last evaluated 2026-01-05.

Conditions:
DNM2-related disorder. Also called: DNM2-related condition.
Charcot-Marie-Tooth disease dominant intermediate B (CMTDIB). Also called: CHARCOT-MARIE-TOOTH NEUROPATHY, DOMINANT INTERMEDIATE B; Charcot-Marie-Tooth disease dominant intermediate 1; CMT DI1; Charcot-Marie-Tooth disease dominant intermediate I. Identifiers: Orphanet 100044, Orphanet 228179, MedGen C1847902, MONDO:0011674, OMIM 606482.

Allele frequency attached by ClinVar (database versions not stated): TOPMed 0.00006; 1000 Genomes Project 30x 0.00016; 1000 Genomes Project 0.00020.
gnomAD v4.1: 42 of 1,613,824 alleles (0.0026%); highest among the groups gnomAD compares: South Asian, 0.012%; no homozygotes.

Submissions (2):

Labcorp Genetics (formerly Invitae), Labcorp
Classification: Likely benign for Charcot-Marie-Tooth disease dominant intermediate B. Last evaluated: 2026-01-05. Review status: criteria provided, single submitter. Criteria: Invitae Variant Classification Sherloc (09022015). Collection method: clinical testing. Allele origin: germline.

PreventionGenetics, part of Exact Sciences
Classification: Likely benign for DNM2-related condition. Last evaluated: 2025-03-13. Review status: criteria provided, single submitter. Criteria: ACMG Guidelines, 2015. Collection method: clinical testing. Allele origin: germline.
Comment: This variant is classified as likely benign based on ACMG/AMP sequence variant interpretation guidelines (Richards et al. 2015 PMID: 25741868, with internal and published modifications).

NM_001005361.3(DNM2):c.2106G>A (p.Ser702=)

Gene: DNM2 (dynamin 2; plus strand). Cytogenetic location: 19p13.2.
Variant type: single nucleotide variant.
Coding change: c.2106G>A on transcript NM_001005361.3 (MANE Select); coding-DNA position 2106, G replaced by A.
Protein change: p.Ser702=; no amino-acid change (serine 702 retained).
Molecular consequence: synonymous variant.
Genome position (GRCh38, 1-based): chr19:10,829,083, G>A. VCF-style: chr19-10829083-G-A. GRCh37 (hg19) VCF-style: chr19-10939759-G-A.
Other names: c.2106G>A, p.Ser702= (NM_001005360.3, NM_001190716.2); c.2094G>A, p.Ser698= (NM_001005362.3, NM_004945.4).
Identifiers: ClinVar variation 956792 (VCV000956792.9), dbSNP rs554971107, ClinGen allele CA9201525.